The following is an entry in ClinVar:

NM_020778.5(ALPK3):c.1403A>T (p.His468Leu)

Gene: ALPK3 (alpha kinase 3; plus strand). Cytogenetic location: 15q25.3.
Variant type: single nucleotide variant.
Coding change: c.1403A>T on transcript NM_020778.5 (MANE Select); coding-DNA position 1403, A replaced by T.
Protein change: p.His468Leu; replaces histidine 468 with leucine.
Molecular consequence: missense variant.
Genome position (GRCh38, 1-based): chr15:84,840,682, A>T. VCF-style: chr15-84840682-A-T. GRCh37 (hg19) VCF-style: chr15-85383913-A-T.
Other names: short protein forms H468L.
Identifiers: ClinVar variation 1506908 (VCV001506908.8), dbSNP rs202163284, ClinGen allele CA7709179.

ClinVar aggregate classification (germline): Uncertain significance (1 of 4 stars; one submission).

Allele frequency attached by ClinVar (database versions not stated): gnomAD 0.00001 and 0.00005; gnomAD exomes 0.00001 and 0.00005; TOPMed 0.00003; ExAC 0.00004; 1000 Genomes Project 30x 0.00078; 1000 Genomes Project 0.00080.

Submission:

Labcorp Genetics (formerly Invitae), Labcorp
Classification: Uncertain significance. Last evaluated: 2024-04-15. Review status: criteria provided, single submitter. Criteria: Invitae Variant Classification Sherloc (09022015). Collection method: clinical testing. Allele origin: germline.
Comment: This sequence change replaces histidine, which is basic and polar, with leucine, which is neutral and non-polar, at codon 670 of the ALPK3 protein (p.His670Leu). This variant is present in population databases (rs202163284, gnomAD 0.04%). This variant has not been reported in the literature in individuals affected with ALPK3-related conditions. ClinVar contains an entry for this variant (Variation ID: 1506908). Advanced modeling of protein sequence and biophysical properties (such as structural, functional, and spatial information, amino acid conservation, physicochemical variation, residue mobility, and thermodynamic stability) performed at Invitae indicates that this missense variant is not expected to disrupt ALPK3 protein function with a negative predictive value of 80%. In summary, the available evidence is currently insufficient to determine the role of this variant in disease. Therefore, it has been classified as a Variant of Uncertain Significance.